The following is an entry in ClinVar:

NM_000551.4(VHL):c.462A>G (p.Pro154=)

Genes: VHL (von Hippel-Lindau tumor suppressor; plus strand), LOC107303340 (3p25 von Hippel-Lindau tumor suppressor, E3 ubiquitin protein ligase Alu-mediated recombination region; plus strand). Cytogenetic location: 3p25.3.
Variant type: single nucleotide variant.
Coding change: c.462A>G on transcript NM_000551.4 (MANE Select); coding-DNA position 462, A replaced by G.
Protein change: p.Pro154=; no amino-acid change (proline 154 retained).
Molecular consequence: synonymous variant. On other transcripts: intron variant (2).
Genome position (GRCh38, 1-based): chr3:10,146,635, A>G. VCF-style: chr3-10146635-A-G. GRCh37 (hg19) VCF-style: chr3-10188319-A-G.
Other names: NP_000542.1:p.P154P; c.*18-3152A>G (NM_001354723.2); c.341-3152A>G (NM_198156.3).
Identifiers: ClinVar variation 411977 (VCV000411977.36), dbSNP rs1060503562, ClinGen allele CA16611069.
Genomic context (GRCh38, chr3:10,146,635, plus strand): 5'-ATTATTTGTGCCATCTCTCAATGTTGACGGACAGCCTATTTTTGCCAATATCACACTGCC[A>G]GGTACTGACGTTTTACTTTTTAAAAAGATAAGGTTGTTGTGGTAAGTACAGGATAGACCA-3'
Protein context (NP_000542.1, residues 144-164): GQPIFANITL[Pro154=]VYTLKERCLQ

ClinVar aggregate classification (germline): Conflicting classifications of pathogenicity. Review status: criteria provided, conflicting classifications (1 of 4 stars). 3 submissions from 3 submitters: Likely pathogenic (1); Uncertain significance (1). 1 of the submissions does not count toward it. Last evaluated 2025-11-05.

Conditions:
Chuvash polycythemia. Also called: POLYCYTHEMIA, VHL-DEPENDENT. Identifiers: Orphanet 238557, MedGen C1837915, MONDO:0009892, OMIM 263400.
Von Hippel-Lindau syndrome (VHLS). Also called: von Hippel–Lindau syndrome; VHL syndrome; Von Hippel-Lindau. Identifiers: Orphanet 892, MedGen C0019562, MONDO:0008667, OMIM 193300. Disease mechanism: loss of function.
Lung sarcomatoid carcinoma. Identifiers: MedGen C1708781, MONDO:0006279.

Allele frequency attached by ClinVar (database versions not stated): gnomAD exomes below 0.00001; TOPMed 0.00001.
gnomAD v4.1: 2 of 1,613,658 alleles (0.00012%); highest among the groups gnomAD compares: African/African-American, 0.0027%; no homozygotes.

Submissions (3):

Labcorp Genetics (formerly Invitae), Labcorp
Classification: Uncertain significance for Von Hippel-Lindau syndrome; Chuvash polycythemia. Last evaluated: 2025-11-05. Review status: criteria provided, single submitter. Criteria: Invitae Variant Classification Sherloc (09022015). Collection method: clinical testing. Allele origin: germline.
Comment: This sequence change affects codon 154 of the VHL mRNA. It is a 'silent' change, meaning that it does not change the encoded amino acid sequence of the VHL protein. It affects a nucleotide within the consensus splice site. This variant is present in population databases (no rsID available, gnomAD 0.007%). This variant has been observed in individual(s) with clinical features of VHL-related conditions (internal data). ClinVar contains an entry for this variant (Variation ID: 411977). Studies have shown that this variant is associated with inconclusive levels of altered splicing (internal data). In summary, the available evidence is currently insufficient to determine the role of this variant in disease. Therefore, it has been classified as a Variant of Uncertain Significance.

GeneDx
Classification: Likely pathogenic. Last evaluated: 2024-06-11. Review status: criteria provided, single submitter. Criteria: GeneDx Variant Classification Process June 2021. Collection method: clinical testing. Allele origin: germline.
Comment: In silico analysis supports a deleterious effect on splicing; Not observed at significant frequency in large population cohorts (gnomAD); Has not been previously published as pathogenic or benign to our knowledge; This variant is associated with the following publications: (PMID: 26920352, 9829912, 21463266, 17006605)

Salgia Laboratory, City of Hope
Classification: Uncertain significance for Lung sarcomatoid carcinoma. Review status: no assertion criteria provided. Collection method: clinical testing. Allele origin: somatic. Inheritance: Somatic mutation. Affected: yes. Not counted in ClinVar's aggregate classification.